The following is an entry in ClinVar:

ClinVar aggregate classification (germline): Uncertain significance (1 of 4 stars; one submission).

Conditions:
Pierson syndrome. Also called: MICROCORIA-CONGENITAL NEPHROTIC SYNDROME. Identifiers: Orphanet 2670, MedGen C1836876, MONDO:0012184, OMIM 609049.
LAMB2-related infantile-onset nephrotic syndrome. Also called: Nephrotic Syndrome, type 5; NEPHROTIC SYNDROME, TYPE 5, WITHOUT OCULAR ABNORMALITIES; NEPHROTIC SYNDROME, TYPE 5, WITH OCULAR ABNORMALITIES. Identifiers: Orphanet 306507, MedGen C3280113, MONDO:0013621, OMIM 614199.

Allele frequency attached by ClinVar (database versions not stated): gnomAD 0.00001; gnomAD exomes 0.00001 and 0.00002; ExAC 0.00004.
gnomAD v4.1: 14 of 1,613,126 alleles (0.00087%); highest among the groups gnomAD compares: South Asian, 0.015%; no homozygotes.

Submission:

Labcorp Genetics (formerly Invitae), Labcorp
Classification: Uncertain significance for LAMB2-related infantile-onset nephrotic syndrome; Pierson syndrome. Last evaluated: 2022-03-03. Review status: criteria provided, single submitter. Criteria: Invitae Variant Classification Sherloc (09022015). Collection method: clinical testing. Allele origin: germline.
Comment: This sequence change replaces leucine, which is neutral and non-polar, with valine, which is neutral and non-polar, at codon 727 of the LAMB2 protein (p.Leu727Val). This variant is present in population databases (rs760463111, gnomAD 0.02%). This variant has not been reported in the literature in individuals affected with LAMB2-related conditions. ClinVar contains an entry for this variant (Variation ID: 640917). Algorithms developed to predict the effect of missense changes on protein structure and function are either unavailable or do not agree on the potential impact of this missense change (SIFT: "Deleterious"; PolyPhen-2: "Benign"; Align-GVGD: "Class C0"). In summary, the available evidence is currently insufficient to determine the role of this variant in disease. Therefore, it has been classified as a Variant of Uncertain Significance.

NM_002292.4(LAMB2):c.2179C>G (p.Leu727Val)

Gene: LAMB2 (laminin subunit beta 2; minus strand). Cytogenetic location: 3p21.31.
Variant type: single nucleotide variant.
Coding change: c.2179C>G on transcript NM_002292.4 (MANE Select); coding-DNA position 2179, C replaced by G.
Protein change: p.Leu727Val; replaces leucine 727 with valine.
Molecular consequence: missense variant.
Genome position (GRCh38, 1-based): chr3:49,126,132, G>C on the plus strand (C>G on the coding strand, the complement: LAMB2 is on the minus strand). VCF-style: chr3-49126132-G-C. GRCh37 (hg19) VCF-style: chr3-49163565-G-C.
Other names: short protein forms L727V.
Identifiers: ClinVar variation 640917 (VCV000640917.3), dbSNP rs760463111, ClinGen allele CA2394363.
Genomic context (GRCh38, chr3:49,126,132, plus strand): 5'-AGCGTTCAAAGGTGGCCTGGCGCTCCAGGGCAGCAGCATCACCCCCACTAAACATCTCTA[G>C]CACCAGGACACGGGGCAGCAGCACCAGCTGAAGGAGTGAGCAAGGAAGATCGCAGTTCAG-3'
Protein context (NP_002283.3, residues 717-737): SLVLLPRVLV[Leu727Val]EMFSGGDAAA